The following is an entry in ClinVar:

ClinVar aggregate classification (germline): Likely pathogenic. Review status: criteria provided, multiple submitters, no conflicts (2 of 4 stars). 2 submissions from 2 submitters: Likely pathogenic (2). Last evaluated 2026-04-01.

Conditions:
Dermatitis, atopic, 2. Identifiers: MedGen C1853965, MONDO:0011596, OMIM 605803.

Allele frequency attached by ClinVar (database versions not stated): ExAC 0.00001; gnomAD exomes below 0.00001.
gnomAD v4.1: 5 of 1,611,590 alleles (0.00031%); highest among the groups gnomAD compares: South Asian, 0.0011%; no homozygotes.

Submissions (2):

Dasa
Classification: Likely pathogenic. Last evaluated: 2026-04-01. Review status: criteria provided, single submitter. Criteria: DASA Assertion Criteria. Collection method: clinical testing. Allele origin: germline.
Comment: NM_002016.2(FLG):c.7777G>T (p.Gly2593*) is a nonsense variant in FLG predicted to introduce a premature termination codon and is predicted to result in an absent or altered protein product. Loss of function is an established disease mechanism for FLG (PMID: 16444271; PMID: 27793761; PMID: 27667308). This variant has been reported in individuals with FLG-related disorders (PMID: 37067103). Also, this variant is rare in population databases. Based on the currently available evidence, this variant is classified as likely pathogenic.

Laboratorio de Genetica e Diagnostico Molecular, Hospital Israelita Albert Einstein
Classification: Likely pathogenic for Dermatitis, atopic, 2. Last evaluated: 2022-03-23. Review status: criteria provided, single submitter. Criteria: ACMG Guidelines, 2015. Collection method: clinical testing. Allele origin: germline. Affected: yes. Observed: 1 variant allele.
Comment: ACMG classification criteria: PVS1 strong, PM2 moderated

Literature cited by the submitters: PubMed 37067103 (cited by Dasa); PubMed 16444271 (cited by Dasa); PubMed 27793761 (cited by Dasa); PubMed 27667308 (cited by Dasa).

NM_002016.2(FLG):c.7777G>T (p.Gly2593Ter)

Genes: CCDST (cervical cancer associated DHX9 suppressive transcript; plus strand), FLG (filaggrin; minus strand). Cytogenetic location: 1q21.3.
Variant type: single nucleotide variant.
Coding change: c.7777G>T on transcript NM_002016.2 (MANE Select); coding-DNA position 7777, G replaced by T.
Protein change: p.Gly2593Ter; replaces glycine 2593 with a stop codon.
Molecular consequence: nonsense.
Genome position (GRCh38, 1-based): chr1:152,307,109, C>A on the plus strand (G>T on the coding strand, the complement: FLG is on the minus strand). VCF-style: chr1-152307109-C-A. GRCh37 (hg19) VCF-style: chr1-152279585-C-A.
Other names: short protein forms G2593*.
Identifiers: ClinVar variation 2431483 (VCV002431483.3), dbSNP rs756353784, ClinGen allele CA1104531.